The following is an entry in ClinVar:

ClinVar aggregate classification (germline): Likely pathogenic. Review status: criteria provided, multiple submitters, no conflicts (2 of 4 stars). 2 submissions from 2 submitters: Likely pathogenic (2). Last evaluated 2024-09-20.

Conditions:
Developmental and epileptic encephalopathy, 28 (DEE28). Also called: Epileptic encephalopathy, early infantile, 28. Identifiers: Orphanet 442835, MedGen C4015519, MONDO:0014533, OMIM 616211.
Autosomal recessive spinocerebellar ataxia 12. Also called: SPINOCEREBELLAR ATAXIA WITH MENTAL RETARDATION AND EPILEPSY. Identifiers: Orphanet 284282, MedGen C3280452, MONDO:0013687, OMIM 614322.
Developmental and epileptic encephalopathy, 1 (DEE1). Also called: X-linked infantile spasms; West's syndrome; Tonic spasms with clustering, arrest of psychomotor development and hypsarrhythmia on EEG; X-Linked Infantile Spasm Syndrome; OHTAHARA SYNDROME, X-LINKED; INFANTILE SPASM SYNDROME, X-LINKED 1. Identifiers: MedGen C3463992, MONDO:0010632, OMIM 308350. Disease mechanism: loss of function.

Allele frequency attached by ClinVar (database versions not stated): TOPMed below 0.00001.
gnomAD v4.1: 11 of 1,613,396 alleles (0.00068%); highest among the groups gnomAD compares: Non-Finnish European, 0.00076%; no homozygotes.

Submissions (2):

Kids Research, The Children's Hospital at Westmead
Classification: Likely pathogenic for Developmental and epileptic encephalopathy, 28. Last evaluated: 2024-09-20. Review status: criteria provided, single submitter. Criteria: ACMG Guidelines, 2015. Collection method: research. Allele origin: germline. Affected: yes.
Comment: PVS1_Strong, PM2, PP5, PM3

Labcorp Genetics (formerly Invitae), Labcorp
Classification: Likely pathogenic for Developmental and epileptic encephalopathy, 1; Autosomal recessive spinocerebellar ataxia 12. Last evaluated: 2020-06-26. Review status: criteria provided, single submitter. Criteria: Invitae Variant Classification Sherloc (09022015). Collection method: clinical testing. Allele origin: germline.
Comment: In summary, the currently available evidence indicates that the variant is pathogenic, but additional data are needed to prove that conclusively. Therefore, this variant has been classified as Likely Pathogenic. Donor and acceptor splice site variants typically lead to a loss of protein function (PMID: 16199547), and loss-of-function variants in WWOX are known to be pathogenic (PMID: 24456803, 25411445). Algorithms developed to predict the effect of sequence changes on RNA splicing suggest that this variant may disrupt the consensus splice site, but this prediction has not been confirmed by published transcriptional studies. This variant has not been reported in the literature in individuals with WWOX-related conditions. This variant is not present in population databases (ExAC no frequency). This sequence change affects a donor splice site in intron 7 of the WWOX gene. It is expected to disrupt RNA splicing and likely results in an absent or disrupted protein product.

Literature cited by the submitters: PubMed 16199547 (cited by Labcorp Genetics (formerly Invitae), Labcorp); PubMed 24456803 (cited by Labcorp Genetics (formerly Invitae), Labcorp); PubMed 25411445 (cited by Labcorp Genetics (formerly Invitae), Labcorp).

NM_016373.4(WWOX):c.791+1G>T

Gene: WWOX (WW domain containing oxidoreductase; plus strand). Cytogenetic location: 16q23.1.
Variant type: single nucleotide variant.
Coding change: c.791+1G>T on transcript NM_016373.4 (MANE Select); the canonical splice donor site of the intron after coding-DNA position 791, G replaced by T.
Molecular consequence: splice donor variant.
Genome position (GRCh38, 1-based): chr16:78,425,056, G>T. VCF-style: chr16-78425056-G-T. GRCh37 (hg19) VCF-style: chr16-78458953-G-T.
Other names: c.452+1G>T (NM_001291997.2).
Identifiers: ClinVar variation 1067517 (VCV001067517.8), dbSNP rs1164465811, ClinGen allele CA396843014.